The following is an entry in ClinVar:

NM_003803.4(MYOM1):c.4502A>G (p.Tyr1501Cys)

Gene: MYOM1 (myomesin 1; minus strand). Cytogenetic location: 18p11.31.
Variant type: single nucleotide variant.
Coding change: c.4502A>G on transcript NM_003803.4 (MANE Select); coding-DNA position 4502, A replaced by G.
Protein change: p.Tyr1501Cys; replaces tyrosine 1501 with cysteine.
Molecular consequence: missense variant.
Genome position (GRCh38, 1-based): chr18:3,079,325, T>C on the plus strand (A>G on the coding strand, the complement: MYOM1 is on the minus strand). VCF-style: chr18-3079325-T-C. GRCh37 (hg19) VCF-style: chr18-3079323-T-C.
Other names: c.4214A>G, p.Tyr1405Cys (NM_019856.2); short protein forms Y1501C, Y1405C.
Identifiers: ClinVar variation 4695716 (VCV004695716.1).
Genomic context (GRCh38, chr18:3,079,325, plus strand): 5'-GGCTCGTTGATTTGTAGCCAGATCTGCTCTCCAGTGACCCCGGTCTTAACTCTGTCTGAG[T>C]ACCTAATGGCGGACCCACTGTGAAAATCGAAGAAAACTTCCTTAGCATTTGCTTCCATCC-3'
Protein context (NP_003794.3, residues 1491-1511): NWSHNGSAIR[Tyr1501Cys]SDRVKTGVTG

ClinVar aggregate classification (germline): Uncertain significance (1 of 4 stars; one submission).

Conditions:
Hypertrophic cardiomyopathy. Also called: HYPERTROPHIC MYOCARDIOPATHY. Identifiers: Orphanet 217569, MedGen C0007194, MeSH D002312, MONDO:0005045, HP:0001639.

gnomAD v4.1: 4 of 1,612,434 alleles (0.00025%); highest among the groups gnomAD compares: African/African-American, 0.0053%; no homozygotes.

Submission:

Labcorp Genetics (formerly Invitae), Labcorp
Classification: Uncertain significance for Hypertrophic cardiomyopathy. Last evaluated: 2025-10-01. Review status: criteria provided, single submitter. Criteria: Invitae Variant Classification Sherloc (09022015). Collection method: clinical testing. Allele origin: germline.
Comment: This sequence change replaces tyrosine, which is neutral and polar, with cysteine, which is neutral and slightly polar, at codon 1501 of the MYOM1 protein (p.Tyr1501Cys). The frequency data for this variant in the population databases is considered unreliable, as metrics indicate poor data quality at this position in the gnomAD database. This variant has not been reported in the literature in individuals affected with MYOM1-related conditions. Invitae Evidence Modeling of protein sequence and biophysical properties (such as structural, functional, and spatial information, amino acid conservation, physicochemical variation, residue mobility, and thermodynamic stability) indicates that this missense variant is not expected to disrupt MYOM1 protein function with a negative predictive value of 80%. In summary, the available evidence is currently insufficient to determine the role of this variant in disease. Therefore, it has been classified as a Variant of Uncertain Significance.